The following is an entry in ClinVar:

NM_020458.4(TTC7A):c.2470dup (p.Gln824fs)

Gene: TTC7A (tetratricopeptide repeat domain 7A; plus strand). Cytogenetic location: 2p21.
Variant type: Duplication.
Coding change: c.2470dup on transcript NM_020458.4 (MANE Select); coding-DNA position 2470, one base duplicated (C; older notation c.2470dupC).
Protein change: p.Gln824fs; shifts the reading frame from glutamine 824.
Molecular consequence: frameshift variant.
Genome position (GRCh38, 1-based): chr2:47,073,816, C duplicated. VCF-style (leftmost placement, unchanged base first): chr2-47073815-G-GC. GRCh37 (hg19) VCF-style: chr2-47300954-G-GC.
Other names: c.2470dup, p.Gln824fs (LRG_1323t1); c.2470dupC (NM_020458.3); c.2542dup, p.Gln848fs (NM_001288951.2); c.2368dup, p.Gln790fs (NM_001288953.2); c.1408dup, p.Gln470fs (NM_001288955.2); short protein forms Q470fs, Q848fs, Q790fs, Q824fs.
Identifiers: ClinVar variation 528461 (VCV000528461.13), dbSNP rs768053395, ClinGen allele CA1648172.

ClinVar aggregate classification (germline): Conflicting classifications of pathogenicity. Review status: criteria provided, conflicting classifications (1 of 4 stars). 2 submissions from 2 submitters: Pathogenic (1); Uncertain significance (1). Last evaluated 2025-10-16.

Conditions:
Multiple gastrointestinal atresias. Also called: Multiple intestinal atresia; FAMILIAL INTESTINAL POLYATRESIA SYNDROME. Identifiers: Orphanet 2300, MedGen C0220744, MONDO:0009465.

Allele frequency attached by ClinVar (database versions not stated): gnomAD exomes below 0.00001 and 0.00001; ExAC 0.00001.

Submissions (2):

Labcorp Genetics (formerly Invitae), Labcorp
Classification: Pathogenic for Multiple gastrointestinal atresias. Last evaluated: 2025-10-16. Review status: criteria provided, single submitter. Criteria: Invitae Variant Classification Sherloc (09022015). Collection method: clinical testing. Allele origin: germline.
Comment: This sequence change creates a premature translational stop signal (p.Gln824Profs*11) in the TTC7A gene. While this is not anticipated to result in nonsense mediated decay, it is expected to disrupt the last 35 amino acid(s) of the TTC7A protein. This variant is present in population databases (rs768053395, gnomAD 0.0009%). This premature translational stop signal has been observed in individual(s) with severe apoptotic enterocolitis (PMID: 24417819). In at least one individual the data is consistent with being in trans (on the opposite chromosome) from a pathogenic variant. ClinVar contains an entry for this variant (Variation ID: 528461). Algorithms developed to predict the effect of sequence changes on RNA splicing suggest that this variant may create or strengthen a splice site. This variant disrupts the p.Ala832 amino acid residue in TTC7A. Other variant(s) that disrupt this residue have been determined to be pathogenic (PMID: 24417819). This suggests that this residue is clinically significant, and that variants that disrupt this residue are likely to be disease-causing. For these reasons, this variant has been classified as Pathogenic.

Greenwood Genetic Center Diagnostic Laboratories, Greenwood Genetic Center
Classification: Uncertain significance. Last evaluated: 2022-08-12. Review status: criteria provided, single submitter. Criteria: ACMG Guidelines, 2015. Collection method: clinical testing. Allele origin: germline. Affected: yes.
Comment: PM2

Literature cited by the submitters: PubMed 24417819 (cited by Labcorp Genetics (formerly Invitae), Labcorp).